The following is an entry in ClinVar:

ClinVar aggregate classification (germline): Uncertain significance (1 of 4 stars; one submission).

Allele frequency attached by ClinVar (database versions not stated): gnomAD 0.00002; TOPMed 0.00005; ExAC 0.00006.
gnomAD v4.1: 71 of 1,537,056 alleles (0.0046%); highest among the groups gnomAD compares: Middle Eastern, 0.017%; no homozygotes.

Submission:

Labcorp Genetics (formerly Invitae), Labcorp
Classification: Uncertain significance. Last evaluated: 2023-12-05. Review status: criteria provided, single submitter. Criteria: Invitae Variant Classification Sherloc (09022015). Collection method: clinical testing. Allele origin: germline.
Comment: This sequence change replaces aspartic acid, which is acidic and polar, with asparagine, which is neutral and polar, at codon 1334 of the RNF213 protein (p.Asp1334Asn). This variant is present in population databases (rs528903045, gnomAD 0.008%). This variant has not been reported in the literature in individuals affected with RNF213-related conditions. Algorithms developed to predict the effect of missense changes on protein structure and function output the following: SIFT: "Not Available"; PolyPhen-2: "Benign"; Align-GVGD: "Not Available". The asparagine amino acid residue is found in multiple mammalian species, which suggests that this missense change does not adversely affect protein function. In summary, the available evidence is currently insufficient to determine the role of this variant in disease. Therefore, it has been classified as a Variant of Uncertain Significance.

NM_001256071.3(RNF213):c.4000G>A (p.Asp1334Asn)

Gene: RNF213 (ring finger protein 213; plus strand). Cytogenetic location: 17q25.3.
Variant type: single nucleotide variant.
Coding change: c.4000G>A on transcript NM_001256071.3 (MANE Select); coding-DNA position 4000, G replaced by A.
Protein change: p.Asp1334Asn; replaces aspartic acid 1334 with asparagine.
Molecular consequence: missense variant.
Genome position (GRCh38, 1-based): chr17:80,332,488, G>A. VCF-style: chr17-80332488-G-A. GRCh37 (hg19) VCF-style: chr17-78306288-G-A.
Other names: c.4147G>A, p.Asp1383Asn (NM_001410195.1, NM_020914.5); short protein forms D1383N, D1334N.
Identifiers: ClinVar variation 2722369 (VCV002722369.3), dbSNP rs528903045, ClinGen allele CA8820217.